The following is an entry in ClinVar:

NM_001130438.3(SPTAN1):c.2929G>C (p.Asp977His)

Gene: SPTAN1 (spectrin alpha, non-erythrocytic 1; plus strand). Cytogenetic location: 9q34.11.
Variant type: single nucleotide variant.
Coding change: c.2929G>C on transcript NM_001130438.3 (MANE Select); coding-DNA position 2929, G replaced by C.
Protein change: p.Asp977His; replaces aspartic acid 977 with histidine.
Molecular consequence: missense variant.
Genome position (GRCh38, 1-based): chr9:128,588,866, G>C. VCF-style: chr9-128588866-G-C. GRCh37 (hg19) VCF-style: chr9-131351145-G-C.
Other names: c.2929G>C, p.Asp977His (NM_001195532.2, NM_001363759.2, NM_001363765.2 and 5 more transcripts); c.2965G>C, p.Asp989His (NM_001375312.2, NM_001375318.1); short protein forms D977H, D989H.
Identifiers: ClinVar variation 1313795 (VCV001313795.2), dbSNP rs1853044906, ClinGen allele CA375059797.

ClinVar aggregate classification (germline): Uncertain significance (1 of 4 stars; one submission).

gnomAD v4.1: 1 of 1,614,110 alleles (0.000062%); no homozygotes.

Submission:

GeneDx
Classification: Uncertain significance. Last evaluated: 2021-01-06. Review status: criteria provided, single submitter. Criteria: GeneDx Variant Classification Process June 2021. Collection method: clinical testing. Allele origin: germline. Affected: yes.
Comment: Not observed in large population cohorts (Lek et al., 2016); In silico analysis supports that this missense variant has a deleterious effect on protein structure/function; Has not been previously published as pathogenic or benign to our knowledge